The following is an entry in ClinVar:

NM_000157.4(GBA1):c.1474G>A (p.Asp492Asn)

Genes: GBA1 (glucosylceramidase beta 1; minus strand), LOC106627981 (GBA recombination region; plus strand). Cytogenetic location: 1q22.
Variant type: single nucleotide variant.
Coding change: c.1474G>A on transcript NM_000157.4 (MANE Select); coding-DNA position 1474, G replaced by A.
Protein change: p.Asp492Asn; replaces aspartic acid 492 with asparagine.
Molecular consequence: missense variant.
Genome position (GRCh38, 1-based): chr1:155,235,226, C>T on the plus strand (G>A on the coding strand, the complement: GBA1 is on the minus strand). VCF-style: chr1-155235226-C-T. GRCh37 (hg19) VCF-style: chr1-155205017-C-T.
Other names: c.1474G>A, p.Asp492Asn (NM_001005741.3, NM_001005742.3); c.1213G>A, p.Asp405Asn (NM_001171811.2); c.1327G>A, p.Asp443Asn (NM_001171812.2); short protein forms D405N, D443N, D492N.
Identifiers: ClinVar variation 1210415 (VCV001210415.5), dbSNP rs779958429, ClinGen allele CA1141518.
Genomic context (GRCh38, chr1:155,235,226, plus strand): 5'-CACTTCCCAGACCTCACCATTGCCCTCACCGGTTTAGCACGACCACAACAGCAGAGCCAT[C>T]GGGATGCATCAGTGCCACTGCGTCCAGGTCGTTCTTCTGACTGGCAACCAGCCCCACTCT-3'
Protein context (NP_000148.2, residues 482-502): DLDAVALMHP[Asp492Asn]GSAVVVVLNR

ClinVar aggregate classification (germline): Uncertain significance. Review status: criteria provided, multiple submitters, no conflicts (2 of 4 stars). 2 submissions from 2 submitters: Uncertain significance (2). Last evaluated 2025-02-03.

Conditions:
Gaucher disease type I (GD1). Also called: GD 1; ACID BETA-GLUCOSIDASE DEFICIENCY; Type 1 Gaucher Disease; GAUCHER DISEASE, NONCEREBRAL JUVENILE; GBA DEFICIENCY; GD I. Identifiers: Orphanet 355, Orphanet 77259, MedGen C1961835, MONDO:0009265, OMIM 230800.

gnomAD v4.1: 13 of 1,613,514 alleles (0.00081%); highest among the groups gnomAD compares: South Asian, 0.0044%; no homozygotes.

Submissions (2):

Women's Health and Genetics/Laboratory Corporation of America, LabCorp
Classification: Uncertain significance. Last evaluated: 2025-02-03. Review status: criteria provided, single submitter. Criteria: LabCorp Variant Classification Summary - May 2015. Collection method: clinical testing. Allele origin: germline.
Comment: Variant summary: GBA1 c.1474G>A (p.Asp492Asn) results in a conservative amino acid change in the encoded protein sequence. Four of five in-silico tools predict a damaging effect of the variant on protein function. The variant allele was found at a frequency of 1.1e-05 in 282564 control chromosomes. The available data on variant occurrences in the general population are insufficient to allow any conclusion about variant significance. c.1474G>A has been reported in the literature in individuals affected with Parkinsons disease (Jess_2016, Hglinger_2022). These report(s) do not provide unequivocal conclusions about association of the variant with Gaucher Disease. To our knowledge, no experimental evidence demonstrating an impact on protein function has been reported. The following publications have been ascertained in the context of this evaluation (PMID: 35639160, 28030538). ClinVar contains an entry for this variant (Variation ID: 1210415). Based on the evidence outlined above, the variant was classified as uncertain significance.

Genome-Nilou Lab
Classification: Uncertain significance for Gaucher disease type I. Last evaluated: 2021-07-22. Review status: criteria provided, single submitter. Criteria: ACMG Guidelines, 2015. Collection method: clinical testing. Allele origin: germline. Affected: no.

Literature cited by the submitters: PubMed 28030538 (cited by Women's Health and Genetics/Laboratory Corporation of America, LabCorp); PubMed 35639160 (cited by Women's Health and Genetics/Laboratory Corporation of America, LabCorp).